The following is an entry in ClinVar:

NM_001035.3(RYR2):c.10247A>C (p.Glu3416Ala)

Gene: RYR2 (ryanodine receptor 2; plus strand). Cytogenetic location: 1q43.
Variant type: single nucleotide variant.
Coding change: c.10247A>C on transcript NM_001035.3 (MANE Select); coding-DNA position 10247, A replaced by C.
Protein change: p.Glu3416Ala; replaces glutamic acid 3416 with alanine.
Molecular consequence: missense variant.
Genome position (GRCh38, 1-based): chr1:237,711,761, A>C. VCF-style: chr1-237711761-A-C. GRCh37 (hg19) VCF-style: chr1-237875061-A-C.
Other names: short protein forms E3416A.
Identifiers: ClinVar variation 1042454 (VCV001042454.10), dbSNP rs1409897706, ClinGen allele CA345412464.
Genomic context (GRCh38, chr1:237,711,761, plus strand): 5'-TTCTTTAAGTGGTTTTAACTGAAATTTCCTTTGCAACTTCTCAGAATTTCAAAAGAGAAG[A>C]GCAGAACTTCGTTGTACAGAATGAAATCAACAATATGTCTTTCCTTATTACTGATACCAA-3'
Protein context (NP_001026.2, residues 3406-3426): WSKSHNFKRE[Glu3416Ala]QNFVVQNEIN

ClinVar aggregate classification (germline): Uncertain significance (1 of 4 stars; one submission).

Conditions:
Catecholaminergic polymorphic ventricular tachycardia 1. Also called: VENTRICULAR TACHYCARDIA, CATECHOLAMINERGIC POLYMORPHIC, 1, WITH OR WITHOUT ATRIAL DYSFUNCTION AND/OR DILATED CARDIOMYOPATHY; VENTRICULAR TACHYCARDIA, STRESS-INDUCED POLYMORPHIC 1; RYR2-Related Catecholaminergic Polymorphic Ventricular Tachycardia. Identifiers: Orphanet 3286, MedGen C1631597, MONDO:0011484, OMIM 604772.

Allele frequency attached by ClinVar (database versions not stated): gnomAD exomes below 0.00001; TOPMed below 0.00001; gnomAD 0.00001.
gnomAD v4.1: 3 of 1,577,774 alleles (0.00019%); highest among the groups gnomAD compares: African/African-American, 0.0027%; no homozygotes.

Submission:

Labcorp Genetics (formerly Invitae), Labcorp
Classification: Uncertain significance for Catecholaminergic polymorphic ventricular tachycardia 1. Last evaluated: 2020-06-04. Review status: criteria provided, single submitter. Criteria: Invitae Variant Classification Sherloc (09022015). Collection method: clinical testing. Allele origin: germline.
Comment: In summary, the available evidence is currently insufficient to determine the role of this variant in disease. Therefore, it has been classified as a Variant of Uncertain Significance. Algorithms developed to predict the effect of missense changes on protein structure and function (SIFT, PolyPhen-2, Align-GVGD) all suggest that this variant is likely to be disruptive, but these predictions have not been confirmed by published functional studies and their clinical significance is uncertain. This variant has not been reported in the literature in individuals with RYR2-related conditions. This variant is not present in population databases (ExAC no frequency). This sequence change replaces glutamic acid with alanine at codon 3416 of the RYR2 protein (p.Glu3416Ala). The glutamic acid residue is highly conserved and there is a moderate physicochemical difference between glutamic acid and alanine.